The following is an entry in ClinVar:

ClinVar aggregate classification (germline): Pathogenic. Review status: criteria provided, single submitter (1 of 4 stars). 2 submissions from 2 submitters: Pathogenic (1). 1 of the submissions does not count toward it. Last evaluated 2024-10-04.

Conditions:
Netherton syndrome (NETH). Also called: NETHERTON DISEASE; ERYTHRODERMA, ICHTHYOSIFORM, WITH HYPOTRICHOSIS AND HYPER-IgE; COMEL-NETHERTON SYNDROME. Identifiers: Orphanet 634, MedGen C5574950, MONDO:0009735, OMIM 256500.

Submissions (2):

Dubai Health Genomic Medicine Center, Dubai Health
Classification: Pathogenic for Netherton syndrome. Last evaluated: 2024-10-04. Review status: criteria provided, single submitter. Criteria: ACMG Guidelines, 2015. Collection method: research. Allele origin: germline. Affected: yes.
Comment: PVS1, PM3, PM2

Biomedical Innovation Departament, CIEMAT
Classification: Pathogenic for Netherton syndrome. Last evaluated: 2020-02-01. Review status: no assertion criteria provided. Collection method: research. Allele origin: germline. Affected: yes. Observed: 1 variant allele. Not counted in ClinVar's aggregate classification.

Literature cited by the submitters: PubMed 16601670 (cited by Biomedical Innovation Departament, CIEMAT).

NM_006846.4(SPINK5):c.882+1_882+3del

Gene: SPINK5 (serine peptidase inhibitor Kazal type 5; plus strand). Cytogenetic location: 5q32.
Variant type: Microsatellite.
Coding change: c.882+1_882+3del on transcript NM_006846.4 (MANE Select); the canonical splice donor site of the intron after coding-DNA position 882 through 3 bases into the intron after coding-DNA position 882, 3 bases deleted (GTG; older notation c.882+1_882+3delGTG).
Molecular consequence: splice donor variant.
Genome position (GRCh38, 1-based): chr5:148,095,906-148,095,908, GTG deleted; deleting any 3 consecutive bases within chr5:148,095,903-148,095,908 gives the same sequence; the c. name uses the placement nearest the transcript's 3' end. VCF-style (leftmost placement, unchanged base first): chr5-148095902-TGTG-T. GRCh37 (hg19) VCF-style: chr5-147475465-TGTG-T.
Other names: c.880_882del (NM_001127698.2); c.882+1_882+3del (NM_001127698.2, NM_001127699.2).
Identifiers: ClinVar variation 1012378 (VCV001012378.3), dbSNP rs750225476, ClinGen allele CA3495383.
Genomic context (GRCh38, chr5:148,095,902, plus strand): 5'-CAGTAAAACAGATCAAAATTTGGGAAAAGCTGAAGAAAAAACTAAAGTTAAAAGAGAAAT[TGTG>T]GTGAGAATCAGTTTGATCAATCTAGTTACAACTTGTGTGTGTGTGGGGGGGTGCGTGTGT-3'